The following is an entry in ClinVar:

ClinVar aggregate classification (germline): Uncertain significance (1 of 4 stars; one submission).

gnomAD v4.1: 1 of 1,613,966 alleles (0.000062%); highest among the groups gnomAD compares: Non-Finnish European, 0.000085%; no homozygotes.

Submission:

Labcorp Genetics (formerly Invitae), Labcorp
Classification: Uncertain significance. Last evaluated: 2023-02-22. Review status: criteria provided, single submitter. Criteria: Invitae Variant Classification Sherloc (09022015). Collection method: clinical testing. Allele origin: germline.
Comment: In summary, the available evidence is currently insufficient to determine the role of this variant in disease. Therefore, it has been classified as a Variant of Uncertain Significance. An algorithm developed to predict the effect of missense changes on protein structure and function (PolyPhen-2) suggests that this variant is likely to be disruptive. This variant has not been reported in the literature in individuals affected with CACNA2D4-related conditions. This variant is not present in population databases (gnomAD no frequency). This sequence change replaces proline, which is neutral and non-polar, with leucine, which is neutral and non-polar, at codon 694 of the CACNA2D4 protein (p.Pro694Leu).

NM_172364.5(CACNA2D4):c.2081C>T (p.Pro694Leu)

Gene: CACNA2D4 (calcium voltage-gated channel auxiliary subunit alpha2delta 4; minus strand). Cytogenetic location: 12p13.33.
Variant type: single nucleotide variant.
Coding change: c.2081C>T on transcript NM_172364.5 (MANE Select); coding-DNA position 2081, C replaced by T.
Protein change: p.Pro694Leu; replaces proline 694 with leucine.
Molecular consequence: missense variant.
Genome position (GRCh38, 1-based): chr12:1,856,083, G>A on the plus strand (C>T on the coding strand, the complement: CACNA2D4 is on the minus strand). VCF-style: chr12-1856083-G-A. GRCh37 (hg19) VCF-style: chr12-1965249-G-A.
Other names: short protein forms P694L.
Identifiers: ClinVar variation 2839996 (VCV002839996.3), dbSNP rs2498041638, ClinGen allele CA383349496.